The following is an entry in ClinVar:

ClinVar aggregate classification (germline): Likely benign (1 of 4 stars; one submission).

Submission:

CeGaT Center for Human Genetics Tuebingen
Classification: Likely benign. Last evaluated: 2025-04-01. Review status: criteria provided, single submitter. Criteria: CeGaT Center For Human Genetics Tuebingen Variant Classification Criteria Version 2. Collection method: clinical testing. Allele origin: germline. Affected: yes. Observed: 1 variant allele.
Comment: CEL: PM2:Supporting, BP4, BP7

NM_001807.6(CEL):c.1962C>T (p.Ser654=)

Gene: CEL (carboxyl ester lipase; plus strand). Cytogenetic location: 9q34.13.
Variant type: single nucleotide variant.
Coding change: c.1962C>T on transcript NM_001807.6 (MANE Select); coding-DNA position 1962, C replaced by T.
Protein change: p.Ser654=; no amino-acid change (serine 654 retained).
Molecular consequence: synonymous variant.
Genome position (GRCh38, 1-based): chr9:133,071,464, C>T. VCF-style: chr9-133071464-C-T. GRCh37 (hg19) VCF-style: chr9-135946851-C-T.
Identifiers: ClinVar variation 3905302 (VCV003905302.10).